The following is an entry in ClinVar:

NM_002528.7(NTHL1):c.710T>C (p.Ile237Thr)

Gene: NTHL1 (nth like DNA glycosylase 1; minus strand). Cytogenetic location: 16p13.3.
Variant type: single nucleotide variant.
Coding change: c.710T>C on transcript NM_002528.7 (MANE Select); coding-DNA position 710, T replaced by C.
Protein change: p.Ile237Thr; replaces isoleucine 237 with threonine.
Molecular consequence: missense variant.
Genome position (GRCh38, 1-based): chr16:2,040,214, A>G on the plus strand (T>C on the coding strand, the complement: NTHL1 is on the minus strand). VCF-style: chr16-2040214-A-G. GRCh37 (hg19) VCF-style: chr16-2090215-A-G.
Other names: c.539T>C, p.Ile180Thr (NM_001318193.2); c.380T>C, p.Ile127Thr (NM_001318194.2); short protein forms I237T, I127T, I180T.
Identifiers: ClinVar variation 841096 (VCV000841096.12), dbSNP rs2084243860, ClinGen allele CA394289249.
Genomic context (GRCh38, chr16:2,040,214, plus strand): 5'-GCGGCGCGGGTCTCCTCTGGGGACTTGGTTGCCTTCTTGGTCCACCTCAGCCTGTTGGCG[A>G]TTCTGTGCACATGCGTGTCCACTGCTGCTGGGAGGCCAAGCGGGGTGAACAGGGGCACAC-3'
Protein context (NP_002519.2, residues 227-247): GIAVDTHVHR[Ile237Thr]ANRLRWTKKA

ClinVar aggregate classification (germline): Uncertain significance. Review status: criteria provided, multiple submitters, no conflicts (2 of 4 stars). 2 submissions from 2 submitters: Uncertain significance (2). Last evaluated 2025-12-30.

Conditions:
Hereditary cancer-predisposing syndrome. Also called: Hereditary Cancer Syndrome; Hereditary neoplastic syndrome; Tumor predisposition; Neoplastic Syndromes, Hereditary. Identifiers: Orphanet 140162, MedGen C0027672, MeSH D009386, MONDO:0015356.

Allele frequency attached by ClinVar (database versions not stated): gnomAD exomes below 0.00001; TOPMed below 0.00001.
gnomAD v4.1: 2 of 1,613,770 alleles (0.00012%); highest among the groups gnomAD compares: Non-Finnish European, 0.00017%; no homozygotes.

Submissions (2):

Labcorp Genetics (formerly Invitae), Labcorp
Classification: Uncertain significance. Last evaluated: 2025-12-30. Review status: criteria provided, single submitter. Criteria: Invitae Variant Classification Sherloc (09022015). Collection method: clinical testing. Allele origin: germline.
Comment: This sequence change replaces isoleucine, which is neutral and non-polar, with threonine, which is neutral and polar, at codon 245 of the NTHL1 protein (p.Ile245Thr). This variant is not present in population databases (gnomAD no frequency). This variant has not been reported in the literature in individuals affected with NTHL1-related conditions. ClinVar contains an entry for this variant (Variation ID: 841096). An algorithm developed to predict the effect of missense changes on protein structure and function (PolyPhen-2) suggests that this variant is likely to be disruptive. In summary, the available evidence is currently insufficient to determine the role of this variant in disease. Therefore, it has been classified as a Variant of Uncertain Significance.

Ambry Genetics
Classification: Uncertain significance for Hereditary cancer-predisposing syndrome. Last evaluated: 2025-10-17. Review status: criteria provided, single submitter. Criteria: Ambry Variant Classification Scheme 2023. Collection method: clinical testing. Allele origin: germline.
Comment: The p.I245T variant (also known as c.734T>C), located in coding exon 5 of the NTHL1 gene, results from a T to C substitution at nucleotide position 734. The isoleucine at codon 245 is replaced by threonine, an amino acid with similar properties. This amino acid position is highly conserved in available vertebrate species. In addition, this alteration is predicted to be deleterious by in silico analysis. Since supporting evidence is limited at this time, the clinical significance of this alteration remains unclear.